The following is an entry in ClinVar:

ClinVar aggregate classification (germline): Uncertain significance (1 of 4 stars; one submission).

Conditions:
Joubert syndrome 21 (JBTS21). Identifiers: MedGen C3810212, MONDO:0014288, OMIM 615636.

Allele frequency attached by ClinVar (database versions not stated): gnomAD exomes below 0.00001; ExAC 0.00002; gnomAD 0.00002; TOPMed 0.00004.
gnomAD v4.1: 5 of 1,596,202 alleles (0.00031%); highest among the groups gnomAD compares: Admixed American, 0.0033%; no homozygotes.

Submission:

Labcorp Genetics (formerly Invitae), Labcorp
Classification: Uncertain significance for Joubert syndrome 21. Last evaluated: 2022-03-04. Review status: criteria provided, single submitter. Criteria: Invitae Variant Classification Sherloc (09022015). Collection method: clinical testing. Allele origin: germline.
Comment: In summary, the available evidence is currently insufficient to determine the role of this variant in disease. Therefore, it has been classified as a Variant of Uncertain Significance. Algorithms developed to predict the effect of missense changes on protein structure and function (SIFT, PolyPhen-2, Align-GVGD) all suggest that this variant is likely to be tolerated. This variant has not been reported in the literature in individuals affected with CSPP1-related conditions. This variant is present in population databases (rs764900291, gnomAD 0.007%). This sequence change replaces serine, which is neutral and polar, with glycine, which is neutral and non-polar, at codon 168 of the CSPP1 protein (p.Ser168Gly).

NM_001382391.1(CSPP1):c.475A>G (p.Ser159Gly)

Gene: CSPP1 (centrosome and spindle pole associated protein 1; plus strand). Cytogenetic location: 8q13.1.
Variant type: single nucleotide variant.
Coding change: c.475A>G on transcript NM_001382391.1 (MANE Select); coding-DNA position 475, A replaced by G.
Protein change: p.Ser159Gly; replaces serine 159 with glycine.
Molecular consequence: missense variant. On other transcripts: 5 prime UTR variant (1).
Genome position (GRCh38, 1-based): chr8:67,093,633, A>G. VCF-style: chr8-67093633-A-G. GRCh37 (hg19) VCF-style: chr8-68005868-A-G.
Other names: c.-381A>G (NM_001291339.2); c.394A>G, p.Ser132Gly (NM_001363131.2, NM_001363133.2); c.475A>G, p.Ser159Gly (NM_001363132.2); c.583A>G, p.Ser195Gly (NM_001364869.1); c.502A>G, p.Ser168Gly (NM_001364870.1, NM_024790.7); short protein forms S168G, S195G, S132G, S159G.
Identifiers: ClinVar variation 2179725 (VCV002179725.4), dbSNP rs764900291, ClinGen allele CA4770292.